The following is an entry in ClinVar:

ClinVar aggregate classification (germline): Uncertain significance. Review status: criteria provided, multiple submitters, no conflicts (2 of 4 stars). 4 submissions from 4 submitters: Uncertain significance (4). Last evaluated 2025-08-04.

Conditions:
Familial thoracic aortic aneurysm and aortic dissection (TAAD). Also called: Thoracic aortic aneurysms and dissections. Identifiers: Orphanet 91387, MedGen C4707243, MONDO:0019625.
Congenital contractural arachnodactyly (CCA). Also called: BEALS SYNDROME; Arthrogryposis, distal, type 9; Beals-Hecht syndrome. Identifiers: Orphanet 115, MedGen C0220668, MONDO:0007363, OMIM 121050.

Submissions (4):

Labcorp Genetics (formerly Invitae), Labcorp
Classification: Uncertain significance for Congenital contractural arachnodactyly. Last evaluated: 2025-08-04. Review status: criteria provided, single submitter. Criteria: Invitae Variant Classification Sherloc (09022015). Collection method: clinical testing. Allele origin: germline.
Comment: This sequence change replaces alanine, which is neutral and non-polar, with serine, which is neutral and polar, at codon 2824 of the FBN2 protein (p.Ala2824Ser). This variant is not present in population databases (gnomAD no frequency). This variant has not been reported in the literature in individuals affected with FBN2-related conditions. ClinVar contains an entry for this variant (Variation ID: 1684738). Invitae Evidence Modeling of protein sequence and biophysical properties (such as structural, functional, and spatial information, amino acid conservation, physicochemical variation, residue mobility, and thermodynamic stability) has been performed for this missense variant. However, the output from this modeling did not meet the statistical confidence thresholds required to predict the impact of this variant on FBN2 protein function. In summary, the available evidence is currently insufficient to determine the role of this variant in disease. Therefore, it has been classified as a Variant of Uncertain Significance.

Dasa
Classification: Uncertain significance. Last evaluated: 2024-11-27. Review status: criteria provided, single submitter. Criteria: DASA Assertion Criteria. Collection method: clinical testing. Allele origin: germline.
Comment: NM_001999.4(FBN2):c.8470G>T (p.Ala2824Ser) is a missense variant that results in the substitution of alanine with serine. This variant is absent from population databases. The currently available literature and clinical evidence are not sufficient to establish a definitive association between this variant and the reported condition. Therefore, this variant is classified as a variant of uncertain significance.

Ambry Genetics
Classification: Uncertain significance for Familial thoracic aortic aneurysm and aortic dissection. Last evaluated: 2023-03-13. Review status: criteria provided, single submitter. Criteria: Ambry Variant Classification Scheme 2023. Collection method: clinical testing. Allele origin: germline.
Comment: The p.A2824S variant (also known as c.8470G>T), located in coding exon 65 of the FBN2 gene, results from a G to T substitution at nucleotide position 8470. The alanine at codon 2824 is replaced by serine, an amino acid with similar properties. This amino acid position is highly conserved in available vertebrate species. In addition, the in silico prediction for this alteration is inconclusive. Since supporting evidence is limited at this time, the clinical significance of this alteration remains unclear.

Mendelics
Classification: Uncertain significance. Last evaluated: 2022-05-04. Review status: criteria provided, single submitter. Criteria: Mendelics Assertion Criteria 2019. Collection method: clinical testing. Allele origin: germline.

NM_001999.4(FBN2):c.8470G>T (p.Ala2824Ser)

Gene: FBN2 (fibrillin 2; minus strand). Cytogenetic location: 5q23.3.
Variant type: single nucleotide variant.
Coding change: c.8470G>T on transcript NM_001999.4 (MANE Select); coding-DNA position 8470, G replaced by T.
Protein change: p.Ala2824Ser; replaces alanine 2824 with serine.
Molecular consequence: missense variant.
Genome position (GRCh38, 1-based): chr5:128,259,724, C>A on the plus strand (G>T on the coding strand, the complement: FBN2 is on the minus strand). VCF-style: chr5-128259724-C-A. GRCh37 (hg19) VCF-style: chr5-127595416-C-A.
Other names: c.8470G>T (NM_001999.3); short protein forms A2824S.
Identifiers: ClinVar variation 1684738 (VCV001684738.6), dbSNP rs868262960, ClinGen allele CA360745762.